The following is an entry in ClinVar:

NM_001267550.2(TTN):c.37002G>C (p.Val12334=)

Gene: TTN (titin; minus strand). Cytogenetic location: 2q31.2.
Variant type: single nucleotide variant.
Coding change: c.37002G>C on transcript NM_001267550.2 (MANE Select); coding-DNA position 37002, G replaced by C.
Protein change: p.Val12334=; no amino-acid change (valine 12334 retained).
Molecular consequence: synonymous variant. On other transcripts: intron variant (5).
Genome position (GRCh38, 1-based): chr2:178,662,375, C>G on the plus strand (G>C on the coding strand, the complement: TTN is on the minus strand). VCF-style: chr2-178662375-C-G. GRCh37 (hg19) VCF-style: chr2-179527102-C-G.
Other names: c.13283-20058G>C (NM_003319.4); c.13859-20058G>C (NM_133437.4); c.13658-20058G>C (NM_133432.3); c.31573+591G>C (NM_133378.4); c.34354+591G>C (NM_001256850.1).
Identifiers: ClinVar variation 2571108 (VCV002571108.27), dbSNP rs1294867347, ClinGen allele CA430116473.

ClinVar aggregate classification (germline): Likely benign (1 of 4 stars; one submission).

gnomAD v4.1: 1 of 1,476,912 alleles (0.000068%); highest among the groups gnomAD compares: Middle Eastern, 0.025%; no homozygotes.

Submission:

CeGaT Center for Human Genetics Tuebingen
Classification: Likely benign. Last evaluated: 2026-03-01. Review status: criteria provided, single submitter. Criteria: CeGaT Center For Human Genetics Tuebingen Variant Classification Criteria Version 2. Collection method: clinical testing. Allele origin: germline. Affected: yes. Observed: 7 variant alleles.
Comment: TTN: BP4, BP7